The following is an entry in ClinVar:

NM_007055.4(POLR3A):c.2360_2364dup (p.Phe789fs)

Gene: POLR3A (RNA polymerase III subunit A; minus strand). Cytogenetic location: 10q22.3.
Variant type: Duplication.
Coding change: c.2360_2364dup on transcript NM_007055.4 (MANE Select); coding-DNA positions 2360 to 2364, 5 bases duplicated (GTTCC; older notation c.2360_2364dupGTTCC).
Protein change: p.Phe789fs; shifts the reading frame from phenylalanine 789.
Molecular consequence: frameshift variant.
Genome position (GRCh38, 1-based): chr10:78,001,090-78,001,094, GGAAC duplicated on the plus strand (GTTCC on the coding strand, the reverse complement: POLR3A is on the minus strand). VCF-style (leftmost placement, unchanged base first): chr10-78001089-A-AGGAAC. GRCh37 (hg19) VCF-style: chr10-79760847-A-AGGAAC.
Other names: short protein forms F789fs.
Identifiers: ClinVar variation 2086772 (VCV002086772.4), dbSNP rs2493207946, ClinGen allele CA2580082010.

ClinVar aggregate classification (germline): Pathogenic (1 of 4 stars; one submission).

Submission:

Labcorp Genetics (formerly Invitae), Labcorp
Classification: Pathogenic. Last evaluated: 2024-02-24. Review status: criteria provided, single submitter. Criteria: Invitae Variant Classification Sherloc (09022015). Collection method: clinical testing. Allele origin: germline.
Comment: This sequence change creates a premature translational stop signal (p.Phe789Valfs*9) in the POLR3A gene. It is expected to result in an absent or disrupted protein product. Loss-of-function variants in POLR3A are known to be pathogenic (PMID: 21855841, 25339210, 27612211, 30414627, 30450527). This variant is not present in population databases (gnomAD no frequency). This variant has not been reported in the literature in individuals affected with POLR3A-related conditions. ClinVar contains an entry for this variant (Variation ID: 2086772). For these reasons, this variant has been classified as Pathogenic.

Literature cited by the submitters: PubMed 21855841; PubMed 25339210; PubMed 27612211; PubMed 30414627; PubMed 30450527.